The following is an entry in ClinVar:

ClinVar aggregate classification (germline): Likely pathogenic (1 of 4 stars; one submission).

Conditions:
Autosomal recessive nonsyndromic hearing loss 77. Identifiers: Orphanet 90636, MedGen C2746083, MONDO:0013119, OMIM 613079.

Submission:

Institute of Rare Diseases, West China Hospital, Sichuan University
Classification: Likely pathogenic for Autosomal recessive nonsyndromic hearing loss 77. Last evaluated: 2025-01-09. Review status: criteria provided, single submitter. Criteria: ClinGen HL ACMG Specifications v1. Collection method: research. Allele origin: germline. Affected: yes.
Comment: PM3_Strong;PM2_Supporting;PP3

NM_001384474.1(LOXHD1):c.674T>C (p.Leu225Pro)

Gene: LOXHD1 (lipoxygenase homology PLAT domains 1; minus strand). Cytogenetic location: 18q21.1.
Variant type: single nucleotide variant.
Coding change: c.674T>C on transcript NM_001384474.1 (MANE Select); coding-DNA position 674, T replaced by C.
Protein change: p.Leu225Pro; replaces leucine 225 with proline.
Molecular consequence: missense variant.
Genome position (GRCh38, 1-based): chr18:46,610,861, A>G on the plus strand (T>C on the coding strand, the complement: LOXHD1 is on the minus strand). VCF-style: chr18-46610861-A-G. GRCh37 (hg19) VCF-style: chr18-44190824-A-G.
Other names: c.674T>C, p.Leu225Pro (NM_144612.7); short protein forms L225P.
Identifiers: ClinVar variation 3601212 (VCV003601212.1).